The following is an entry in ClinVar:

ClinVar aggregate classification (germline): Uncertain significance (1 of 4 stars; one submission).

gnomAD v4.1: 3 of 1,606,174 alleles (0.00019%); highest among the groups gnomAD compares: Admixed American, 0.0017%; no homozygotes.

Submission:

GeneDx
Classification: Uncertain significance. Last evaluated: 2023-12-20. Review status: criteria provided, single submitter. Criteria: GeneDx Variant Classification Process June 2021. Collection method: clinical testing. Allele origin: germline. Affected: yes.
Comment: Not observed at significant frequency in large population cohorts (gnomAD); Nucleotide is not conserved across species and the substitution has no predicted effect on splicing; Has not been previously published as pathogenic or benign to our knowledge; Reported using an alternate transcript of the gene; Alters the Kozak sequence, which plays a major role in the initiation of translation

NM_058195.4(CDKN2A):c.-6G>T

Gene: CDKN2A (cyclin dependent kinase inhibitor 2A; minus strand). Cytogenetic location: 9p21.3.
Variant type: single nucleotide variant.
Coding change: c.-6G>T on transcript NM_058195.4 (MANE Plus Clinical); 6 bases upstream of the start codon, G replaced by T.
Molecular consequence: 5 prime UTR variant. On other transcripts: intron variant (1).
Genome position (GRCh38, 1-based): chr9:21,994,337, C>A on the plus strand (G>T on the coding strand, the complement: CDKN2A is on the minus strand). VCF-style: chr9-21994337-C-A. GRCh37 (hg19) VCF-style: chr9-21994336-C-A.
Other names: c.-4+484G>T (NM_001363763.2).
Identifiers: ClinVar variation 3369954 (VCV003369954.1).